The following is an entry in ClinVar:

NM_001365536.1(SCN9A):c.1342A>G (p.Thr448Ala)

Genes: SCN9A (sodium voltage-gated channel alpha subunit 9; minus strand), SCN1A-AS1 (SCN1A and SCN9A antisense RNA 1; plus strand). Cytogenetic location: 2q24.3.
Variant type: single nucleotide variant.
Coding change: c.1342A>G on transcript NM_001365536.1 (MANE Select); coding-DNA position 1342, A replaced by G.
Protein change: p.Thr448Ala; replaces threonine 448 with alanine.
Molecular consequence: missense variant.
Genome position (GRCh38, 1-based): chr2:166,286,596, T>C on the plus strand (A>G on the coding strand, the complement: SCN9A is on the minus strand). VCF-style: chr2-166286596-T-C. GRCh37 (hg19) VCF-style: chr2-167143106-T-C.
Other names: c.1342A>G, p.Thr448Ala (NM_002977.4); short protein forms T448A.
Identifiers: ClinVar variation 859809 (VCV000859809.10), dbSNP rs1697758630, ClinGen allele CA349084956.

ClinVar aggregate classification (germline): Uncertain significance (1 of 4 stars; one submission).

Conditions:
Neuropathy, hereditary sensory and autonomic, type 2A (HSAN2A). Also called: HSAN IIA; MORVAN DISEASE; NEUROPATHY, CONGENITAL SENSORY; NEUROPATHY, HEREDITARY SENSORY RADICULAR, AUTOSOMAL RECESSIVE; NEUROPATHY, HEREDITARY SENSORY, TYPE IIA; NEUROPATHY, PROGRESSIVE SENSORY, OF CHILDREN. Identifiers: Orphanet 970, MedGen C2752089, MONDO:0024309, OMIM 201300.
Generalized epilepsy with febrile seizures plus, type 7 (GEFSP7). Also called: GEFS+, TYPE 7. Identifiers: Orphanet 36387, MedGen C2751778, MONDO:0013470, OMIM 613863.

Allele frequency attached by ClinVar (database versions not stated): gnomAD exomes below 0.00001; gnomAD 0.00001; TOPMed 0.00001.
gnomAD v4.1: 7 of 1,573,852 alleles (0.00044%); highest among the groups gnomAD compares: African/African-American, 0.0014%; no homozygotes.

Submission:

Labcorp Genetics (formerly Invitae), Labcorp
Classification: Uncertain significance for Neuropathy, hereditary sensory and autonomic, type 2A; Generalized epilepsy with febrile seizures plus, type 7. Last evaluated: 2022-02-05. Review status: criteria provided, single submitter. Criteria: Invitae Variant Classification Sherloc (09022015). Collection method: clinical testing. Allele origin: germline.
Comment: In summary, the available evidence is currently insufficient to determine the role of this variant in disease. Therefore, it has been classified as a Variant of Uncertain Significance. Algorithms developed to predict the effect of missense changes on protein structure and function (SIFT, PolyPhen-2, Align-GVGD) all suggest that this variant is likely to be tolerated. ClinVar contains an entry for this variant (Variation ID: 859809). This variant has not been reported in the literature in individuals affected with SCN9A-related conditions. This variant is not present in population databases (gnomAD no frequency). This sequence change replaces threonine, which is neutral and polar, with alanine, which is neutral and non-polar, at codon 448 of the SCN9A protein (p.Thr448Ala).